The following is an entry in ClinVar:

NM_001486.4(GCKR):c.1555G>A (p.Ala519Thr)

Gene: GCKR (glucokinase regulator; plus strand). Cytogenetic location: 2p23.3.
Variant type: single nucleotide variant.
Coding change: c.1555G>A on transcript NM_001486.4 (MANE Select); coding-DNA position 1555, G replaced by A.
Protein change: p.Ala519Thr; replaces alanine 519 with threonine.
Molecular consequence: missense variant.
Genome position (GRCh38, 1-based): chr2:27,518,920, G>A. VCF-style: chr2-27518920-G-A. GRCh37 (hg19) VCF-style: chr2-27741787-G-A.
Other names: c.1555G>A (NM_001486.3); short protein forms A519T.
Identifiers: ClinVar variation 2068625 (VCV002068625.6), dbSNP rs144127332, ClinGen allele CA1582016.

ClinVar aggregate classification (germline): Conflicting classifications of pathogenicity. Review status: criteria provided, conflicting classifications (1 of 4 stars). 2 submissions from 2 submitters: Uncertain significance (1); Likely benign (1). Last evaluated 2025-05-07.

Allele frequency attached by ClinVar (database versions not stated): ESP Exome Variant Server 0.00008; gnomAD exomes 0.00015; ExAC 0.00017; TOPMed 0.00017; gnomAD 0.00019.
gnomAD v4.1: 268 of 1,613,378 alleles (0.017%); highest among the groups gnomAD compares: Non-Finnish European, 0.0031%; no homozygotes.

Submissions (2):

Labcorp Genetics (formerly Invitae), Labcorp
Classification: Likely benign. Last evaluated: 2025-05-07. Review status: criteria provided, single submitter. Criteria: Invitae Variant Classification Sherloc (09022015). Collection method: clinical testing. Allele origin: germline.

GeneDx
Classification: Uncertain significance. Last evaluated: 2024-07-22. Review status: criteria provided, single submitter. Criteria: GeneDx Variant Classification Process June 2021. Collection method: clinical testing. Allele origin: germline. Affected: yes.
Comment: The c.548_549delCT and p.(A519T) variants have been reported in cis, in four individuals of Ashkenazi descent from a clinical population modestly enriched for cardiovascular disease risk; two of these individuals also harbored the p.(P446L) risk allele in trans, and one individual also harbored an additional missense variant in trans (PMID: 22182842); Varaint was identified among a cohort of patients with dyslipidemia and metabolic disorders; patient-specific data were not provided (PMID: 32041611); The c.548_549delCT/p.(A519T) complex allele showed loss of protein expression and reduced nuclear localization when transfected into HeLa cells, and appeared enriched in individuals with impaired glycemia (PMID: 22182842); In silico analysis indicates that this missense variant does not alter protein structure/function; This variant is associated with the following publications: (PMID: 22182842, 32041611, 36325899, 35460704)